The following is an entry in ClinVar:

NM_017636.4(TRPM4):c.3214C>T (p.Arg1072Trp)

Gene: TRPM4 (transient receptor potential cation channel subfamily M member 4; plus strand). Cytogenetic location: 19q13.33.
Variant type: single nucleotide variant.
Coding change: c.3214C>T on transcript NM_017636.4 (MANE Select); coding-DNA position 3214, C replaced by T.
Protein change: p.Arg1072Trp; replaces arginine 1072 with tryptophan.
Molecular consequence: missense variant.
Genome position (GRCh38, 1-based): chr19:49,210,291, C>T. VCF-style: chr19-49210291-C-T. GRCh37 (hg19) VCF-style: chr19-49713548-C-T.
Other names: c.2779C>T, p.Arg927Trp (NM_001195227.2); c.2869C>T, p.Arg957Trp (NM_001321281.2); c.1606C>T, p.Arg536Trp (NM_001321282.2); c.2692C>T, p.Arg898Trp (NM_001321283.2); c.2152C>T, p.Arg718Trp (NM_001321285.2); short protein forms R898W, R1072W, R536W, R718W, R927W, R957W.
Identifiers: ClinVar variation 2086345 (VCV002086345.4), dbSNP rs777441494, ClinGen allele CA9569815.

ClinVar aggregate classification (germline): Uncertain significance (1 of 4 stars; one submission).

Conditions:
Progressive familial heart block type IB (PFHB1B). Identifiers: Orphanet 871, MedGen C1970298, MONDO:0011474, OMIM 604559.

Allele frequency attached by ClinVar (database versions not stated): gnomAD 0.00001; ExAC 0.00002; gnomAD exomes 0.00002.
gnomAD v4.1: 37 of 1,614,114 alleles (0.0023%); highest among the groups gnomAD compares: South Asian, 0.038%; no homozygotes.

Submission:

Labcorp Genetics (formerly Invitae), Labcorp
Classification: Uncertain significance for Progressive familial heart block type IB. Last evaluated: 2025-07-31. Review status: criteria provided, single submitter. Criteria: Invitae Variant Classification Sherloc (09022015). Collection method: clinical testing. Allele origin: germline.
Comment: This sequence change replaces arginine, which is basic and polar, with tryptophan, which is neutral and slightly polar, at codon 1072 of the TRPM4 protein (p.Arg1072Trp). This variant is present in population databases (rs777441494, gnomAD 0.02%). This variant has not been reported in the literature in individuals affected with TRPM4-related conditions. ClinVar contains an entry for this variant (Variation ID: 2086345). An algorithm developed to predict the effect of missense changes on protein structure and function (PolyPhen-2) suggests that this variant is likely to be disruptive. In summary, the available evidence is currently insufficient to determine the role of this variant in disease. Therefore, it has been classified as a Variant of Uncertain Significance.